The following is an entry in ClinVar:

ClinVar aggregate classification (germline): Conflicting classifications of pathogenicity. Review status: criteria provided, conflicting classifications (1 of 4 stars). 2 submissions from 2 submitters: Uncertain significance (1); Likely benign (1). Last evaluated 2026-05-01.

Allele frequency attached by ClinVar (database versions not stated): gnomAD exomes 0.00001; gnomAD 0.00003; TOPMed 0.00003; ExAC 0.00004.
gnomAD v4.1: 21 of 1,613,646 alleles (0.0013%); highest among the groups gnomAD compares: African/African-American, 0.013%; no homozygotes.

Submissions (2):

CeGaT Center for Human Genetics Tuebingen
Classification: Uncertain significance. Last evaluated: 2026-05-01. Review status: criteria provided, single submitter. Criteria: CeGaT Center For Human Genetics Tuebingen Variant Classification Criteria Version 2. Collection method: clinical testing. Allele origin: germline. Affected: yes. Observed: 1 variant allele.
Comment: CCDC88C: PM2:Supporting, BP4

Labcorp Genetics (formerly Invitae), Labcorp
Classification: Likely benign. Last evaluated: 2025-12-16. Review status: criteria provided, single submitter. Criteria: Invitae Variant Classification Sherloc (09022015). Collection method: clinical testing. Allele origin: germline.

NM_001080414.4(CCDC88C):c.3921C>T (p.His1307=)

Gene: CCDC88C (coiled-coil and HOOK domain protein 88C; minus strand). Cytogenetic location: 14q32.11.
Variant type: single nucleotide variant.
Coding change: c.3921C>T on transcript NM_001080414.4 (MANE Select); coding-DNA position 3921, C replaced by T.
Protein change: p.His1307=; no amino-acid change (histidine 1307 retained).
Molecular consequence: synonymous variant.
Genome position (GRCh38, 1-based): chr14:91,297,350, G>A on the plus strand (C>T on the coding strand, the complement: CCDC88C is on the minus strand). VCF-style: chr14-91297350-G-A. GRCh37 (hg19) VCF-style: chr14-91763694-G-A.
Identifiers: ClinVar variation 2897214 (VCV002897214.5), dbSNP rs756737205, ClinGen allele CA7309182.